The following is an entry in ClinVar:

ClinVar aggregate classification (germline): Likely pathogenic (1 of 4 stars; one submission).

Conditions:
Hereditary spastic paraplegia 35. Also called: LEUKODYSTROPHY, DYSMYELINATING, AND SPASTIC PARAPARESIS WITH OR WITHOUT DYSTONIA; Spastic paraplegia 35, autosomal recessive; Spastic paraplegia 35; SPASTIC PARAPLEGIA 35, AUTOSOMAL RECESSIVE, WITH OR WITHOUT NEURODEGENERATION. Identifiers: Orphanet 171629, MedGen C3496228, MONDO:0012866, OMIM 612319.

Submission:

Variantyx, Inc.
Classification: Likely pathogenic for Hereditary spastic paraplegia 35. Last evaluated: 2026-01-12. Review status: criteria provided, single submitter. Criteria: Variantyx Assertion Criteria 2022. Collection method: clinical testing. Allele origin: germline. Inheritance: Autosomal recessive inheritance. Affected: no.
Comment: This is a complex 4-nucleotide deletion-insertion, resulting in a nonsynonymous variant in the FA2H gene (OMIM: 611026). Pathogenic variants in this gene have been associated with autosomal recessive spastic paraplegia 35. This variant has been identified in the homozygous or compound heterozygous state in at least 7 individuals reported in the published literature (PMID: 40457680, 31135052, 31429931, 33144682, 3679059) (PM3_Strong) and it has been observed to segregate with disease in at least 4 individuals from two families (PMID: 40457680, 31429931) (PP1). This variant has a 0.0458% maximum allele frequency in non-founder control populations (PM2). Computational algorithms produce conflicting evidence regarding the predicted functional impact of this variant (REVEL score: 0.523). Based on the current evidence, this variant is classified as likely pathogenic for autosomal recessive spastic paraplegia 35.

Literature cited by the submitters: PubMed 40457680; PubMed 31429931; PubMed 31135052; PubMed 33144682; PubMed 3679059.

NM_024306.5(FA2H):c.229_232delinsTTGA (p.Glu78Lys)

Gene: FA2H (fatty acid 2-hydroxylase; minus strand). Cytogenetic location: 16q23.1.
Variant type: Indel.
Coding change: c.229_232delinsTTGA on transcript NM_024306.5 (MANE Select); coding-DNA positions 229 to 232, CTGG replaced by TTGA.
Protein change: p.Glu78Lys; replaces glutamic acid 78 with lysine.
Molecular consequence: missense variant.
Genome position (GRCh38, 1-based): chr16:74,774,524-74,774,527, CCAG replaced by TCAA on the plus strand (CTGG replaced by TTGA on the coding strand, the reverse complement: FA2H is on the minus strand). VCF-style: chr16-74774524-CCAG-TCAA. GRCh37 (hg19) VCF-style: chr16-74808422-CCAG-TCAA.
Other names: short protein forms E78K.
Identifiers: ClinVar variation 4850054 (VCV004850054.1).
Genomic context (GRCh38, chr16:74,774,524, plus strand): 5'-GGGGGCCCCGGCCCGGCTGTACCTGCTGCTCCCCGCGGAGCTCTCCCACGTAGTACTGCT[CCAG>TCAA]CCAGCGGCGCGCGTTGGCCGAGTGCCTGTGCGGCGGCCCGTCCAGGTCGGCGCTGATGTC-3'
Protein context (NP_077282.3, residues 68-88): RHSANARRWL[Glu78Lys]QYYVGELRGE